The following is an entry in ClinVar:

ClinVar aggregate classification (germline): Conflicting classifications of pathogenicity. Review status: criteria provided, conflicting classifications (1 of 4 stars). 4 submissions from 4 submitters: Likely pathogenic (3); Uncertain significance (1). Last evaluated 2025-10-01.

Conditions:
RECQL4-related disorder. Also called: RECQL4-related disorders; RECQL4-related condition.
Baller-Gerold syndrome (BGS). Also called: CRANIOSYNOSTOSIS WITH RADIAL DEFECTS. Identifiers: Orphanet 1225, MedGen C0265308, MONDO:0009039, OMIM 218600.
Rothmund-Thomson syndrome type 2 (RTS2). Identifiers: Orphanet 221016, MedGen C5203410, MONDO:0016369, OMIM 268400.

Allele frequency attached by ClinVar (database versions not stated): ExAC 0.00001; gnomAD exomes 0.00001; gnomAD 0.00002 and 0.00003; TOPMed 0.00006; 1000 Genomes Project 0.00020; 1000 Genomes Project 30x 0.00031.
gnomAD v4.1: 9 of 1,610,398 alleles (0.00056%); highest among the groups gnomAD compares: African/African-American, 0.0067%; no homozygotes.

Submissions (4):

Labcorp Genetics (formerly Invitae), Labcorp
Classification: Likely pathogenic for Baller-Gerold syndrome. Last evaluated: 2025-10-01. Review status: criteria provided, single submitter. Criteria: Invitae Variant Classification Sherloc (09022015). Collection method: clinical testing. Allele origin: germline.
Comment: This sequence change affects a donor splice site in intron 19 of the RECQL4 gene. It is expected to disrupt RNA splicing. Variants that disrupt the donor or acceptor splice site typically lead to a loss of protein function (PMID: 16199547), and loss-of-function variants in RECQL4 are known to be pathogenic (PMID: 12734318, 12952869). This variant is present in population databases (rs557284122, gnomAD 0.008%). Disruption of this splice site has been observed in individual(s) with retinoblastoma (PMID: 31604778). ClinVar contains an entry for this variant (Variation ID: 661753). Algorithms developed to predict the effect of sequence changes on RNA splicing suggest that this variant may disrupt the consensus splice site. In summary, the currently available evidence indicates that the variant is pathogenic, but additional data are needed to prove that conclusively. Therefore, this variant has been classified as Likely Pathogenic.

GeneDx
Classification: Uncertain significance. Last evaluated: 2024-03-10. Review status: criteria provided, single submitter. Criteria: GeneDx Variant Classification Process June 2021. Collection method: clinical testing. Allele origin: germline. Affected: yes.
Comment: Observed in the heterozygous state in an individual with retinoblastoma (PMID: 31604778); Canonical splice site variant predicted to result in a null allele in a gene for which loss of function is a known mechanism of disease; This variant is associated with the following publications: (PMID: 12734318, 12952869, 31604778)

Blueprint Genetics
Classification: Likely pathogenic for RECQL4-related disorders. Last evaluated: 2023-12-08. Review status: criteria provided, single submitter. Criteria: ACMG Guidelines, 2015. Collection method: clinical testing. Allele origin: germline. Affected: yes. Observed: 3 variant alleles.

St. Jude Molecular Pathology, St. Jude Children's Research Hospital
Classification: Likely pathogenic for Rothmund-Thomson syndrome type 2. Last evaluated: 2023-10-16. Review status: criteria provided, single submitter. Criteria: St. Jude Assertion Criteria 2020. Collection method: clinical testing. Allele origin: germline.
Comment: The RECQL4 c.3393+2T>G intronic change results in a T to G substitution at the +2 position of intron 19 of the RECQL4 gene and is predicted to disrupt the donor splice site resulting in loss of protein function and internal RNA data confirms out-of-frame exon skipping. To our knowledge, this variant has not been reported in individuals with RECQL4-associated disorders. It has been reported as heterozygous in individuals with retinoblastoma (PMID: 31604778, internal data). This variant has a maximum subpopulation frequency of 0.0083% in gnomAD v2.1.1. In summary, this variant meets criteria to be classified as likely pathogenic.

Literature cited by the submitters: PubMed 16199547 (cited by Labcorp Genetics (formerly Invitae), Labcorp); PubMed 12734318 (cited by Labcorp Genetics (formerly Invitae), Labcorp); PubMed 12952869 (cited by Labcorp Genetics (formerly Invitae), Labcorp); PubMed 31604778 (cited by Labcorp Genetics (formerly Invitae), Labcorp).

NM_004260.4(RECQL4):c.3393+2T>G

Gene: RECQL4 (RecQ like helicase 4; minus strand). Cytogenetic location: 8q24.3.
Variant type: single nucleotide variant.
Coding change: c.3393+2T>G on transcript NM_004260.4 (MANE Select); the canonical splice donor site of the intron after coding-DNA position 3393, T replaced by G.
Molecular consequence: splice donor variant. On other transcripts: missense variant (1).
Genome position (GRCh38, 1-based): chr8:144,511,909, A>C on the plus strand (T>G on the coding strand, the complement: RECQL4 is on the minus strand). VCF-style: chr8-144511909-A-C. GRCh37 (hg19) VCF-style: chr8-145737292-A-C.
Other names: c.3395T>G, p.Val1132Gly (NM_001413036.1); c.3264+2T>G (NM_001413025.1); c.3042+2T>G (NM_001413029.1); c.2256+2T>G (NM_001413032.1, NM_001413027.1, NM_001413030.1); c.2322+2T>G (NM_001413035.1, NM_001413040.1, NM_001413021.1 and 4 more transcripts); c.3099+2T>G (NM_001413017.1); c.3297+2T>G (NM_001413020.1); c.3363+2T>G (NM_001413039.1); and 9 more; short protein forms V1132G.
Identifiers: ClinVar variation 661753 (VCV000661753.11), dbSNP rs557284122, ClinGen allele CA4947792.
Genomic context (GRCh38, chr8:144,511,909, plus strand): 5'-AAGCCCCATGCAGCCCAGGGAACCTGCAACCCCGATGAGCTGCCTGGCCTTACTGCACTC[A>C]CTCTGGCCTGCCCTGGCTCGGGGCCCTGTGCGTCCTCCATGCCTCCCGGCTCCTGCCCTT-3'